The following is an entry in ClinVar:

ClinVar aggregate classification (germline): Conflicting classifications of pathogenicity. Review status: criteria provided, conflicting classifications (1 of 4 stars). 4 submissions from 4 submitters: Uncertain significance (3); Likely benign (1). Last evaluated 2026-03-17.

Conditions:
Glycogen storage disease IXd (GSD9D). Also called: GSD IXd; Muscle Phosphorylase Kinase Deficiency. Identifiers: Orphanet 715, MedGen C1845151, MONDO:0010362, OMIM 300559.

Allele frequency attached by ClinVar (database versions not stated): ExAC 0.00005; gnomAD 0.00005; gnomAD exomes 0.00005; TOPMed 0.00006.
gnomAD v4.1: 57 of 1,202,417 alleles (0.0047%); highest among the groups gnomAD compares: Admixed American, 0.015%; no homozygotes.

Submissions (4):

Women's Health and Genetics/Laboratory Corporation of America, LabCorp
Classification: Uncertain significance. Last evaluated: 2026-03-17. Review status: criteria provided, single submitter. Criteria: LabCorp Variant Classification Summary - May 2015. Collection method: clinical testing. Allele origin: germline.
Comment: Variant summary: PHKA1 c.3364G>C (p.Glu1122Gln) results in a conservative amino acid change in the encoded protein sequence. Algorithms developed to predict the effect of missense changes on protein structure and function are either unavailable or do not agree on the potential impact of this missense change. The variant allele was found at a frequency of 5.5e-05 in 183238 control chromosomes. This frequency is not significantly higher than estimated for disease-causing variants in PHKA1, allowing no conclusion about variant significance. c.3364G>C has been observed in individual(s) affected with Glycogen Phosphorylase Kinase Deficiency. These report(s) do not provide unequivocal conclusions about association of the variant with Glycogen Phosphorylase Kinase Deficiency. To our knowledge, no experimental evidence demonstrating an impact on protein function has been reported. ClinVar contains an entry for this variant (Variation ID: 368646). Based on the evidence outlined above, the variant was classified as uncertain significance.

Labcorp Genetics (formerly Invitae), Labcorp
Classification: Uncertain significance for Glycogen storage disease IXd. Last evaluated: 2025-11-07. Review status: criteria provided, single submitter. Criteria: Invitae Variant Classification Sherloc (09022015). Collection method: clinical testing. Allele origin: germline.
Comment: This sequence change replaces glutamic acid, which is acidic and polar, with glutamine, which is neutral and polar, at codon 1122 of the PHKA1 protein (p.Glu1122Gln). This variant is present in population databases (rs202007590, gnomAD 0.01%). This missense change has been observed in individual(s) with clinical features of PHKA1-related conditions (PMID: 32528171). ClinVar contains an entry for this variant (Variation ID: 368646). An algorithm developed to predict the effect of missense changes on protein structure and function (PolyPhen-2) suggests that this variant is likely to be disruptive. In summary, the available evidence is currently insufficient to determine the role of this variant in disease. Therefore, it has been classified as a Variant of Uncertain Significance.

Mendelics
Classification: Likely benign for Glycogen storage disease IXd. Last evaluated: 2019-05-28. Review status: criteria provided, single submitter. Criteria: Mendelics Assertion Criteria 2017. Collection method: clinical testing. Allele origin: unknown.

Illumina Laboratory Services, Illumina
Classification: Uncertain significance for Glycogen storage disease IXd. Last evaluated: 2018-01-13. Review status: criteria provided, single submitter. Criteria: ICSL Variant Classification Criteria 13 December 2019. Collection method: clinical testing. Allele origin: germline.

Literature cited by the submitters: PubMed 32528171 (cited by Women's Health and Genetics/Laboratory Corporation of America, LabCorp and Labcorp Genetics (formerly Invitae), Labcorp).

NM_002637.4(PHKA1):c.3364G>C (p.Glu1122Gln)

Gene: PHKA1 (phosphorylase kinase regulatory subunit alpha 1; minus strand). Cytogenetic location: Xq13.1.
Variant type: single nucleotide variant.
Coding change: c.3364G>C on transcript NM_002637.4 (MANE Select); coding-DNA position 3364, G replaced by C.
Protein change: p.Glu1122Gln; replaces glutamic acid 1122 with glutamine.
Molecular consequence: missense variant.
Genome position (GRCh38, 1-based): chrX:72,582,532, C>G on the plus strand (G>C on the coding strand, the complement: PHKA1 is on the minus strand). VCF-style: chrX-72582532-C-G. GRCh37 (hg19) VCF-style: chrX-71802382-C-G.
Other names: c.3325G>C, p.Glu1109Gln (NM_001122670.2); c.3148G>C, p.Glu1050Gln (NM_001172436.2); short protein forms E1122Q, E1050Q, E1109Q.
Identifiers: ClinVar variation 368646 (VCV000368646.14), dbSNP rs202007590, ClinGen allele CA10450471.